The following is an entry in ClinVar:

NM_170606.3(KMT2C):c.13508G>A (p.Cys4503Tyr)

Gene: KMT2C (lysine methyltransferase 2C; minus strand). Cytogenetic location: 7q36.1.
Variant type: single nucleotide variant.
Coding change: c.13508G>A on transcript NM_170606.3 (MANE Select); coding-DNA position 13508, G replaced by A.
Protein change: p.Cys4503Tyr; replaces cysteine 4503 with tyrosine.
Molecular consequence: missense variant.
Genome position (GRCh38, 1-based): chr7:152,148,419, C>T on the plus strand (G>A on the coding strand, the complement: KMT2C is on the minus strand). VCF-style: chr7-152148419-C-T. GRCh37 (hg19) VCF-style: chr7-151845504-C-T.
Other names: short protein forms C4503Y.
Identifiers: ClinVar variation 3393895 (VCV003393895.1).
Genomic context (GRCh38, chr7:152,148,419, plus strand): 5'-CTGAAGACTGCAAAGTAACTTAATTCTTGCTCATGAATTCCCTTTGGTTTGTGCATGGGG[C>T]AAAGCATAGTTTTGTCCTTAAAAAACATGCATTGTGCTTTAATGGCGCAAGTGAAGTGAT-3'
Protein context (NP_733751.2, residues 4493-4513): CMFFKDKTML[Cys4503Tyr]PMHKPKGIHE

ClinVar aggregate classification (germline): Uncertain significance (1 of 4 stars; one submission).

Submission:

GeneDx
Classification: Uncertain significance. Last evaluated: 2024-07-05. Review status: criteria provided, single submitter. Criteria: GeneDx Variant Classification Process June 2021. Collection method: clinical testing. Allele origin: germline. Affected: yes.
Comment: Not observed at significant frequency in large population cohorts (gnomAD); In silico analysis supports that this missense variant has a deleterious effect on protein structure/function; Has not been previously published as pathogenic or benign to our knowledge